The following is an entry in ClinVar:

NM_020868.6(DPP10):c.61-147288C>T

Gene: DPP10 (dipeptidyl peptidase like 10; plus strand). Cytogenetic location: 2q14.1.
Variant type: single nucleotide variant.
Coding change: c.61-147288C>T on transcript NM_020868.6 (MANE Select); 147288 bases into the intron before coding-DNA position 61, C replaced by T.
Molecular consequence: intron variant. On other transcripts: 5 prime UTR variant (5).
Genome position (GRCh38, 1-based): chr2:115,161,951, C>T. VCF-style: chr2-115161951-C-T. GRCh37 (hg19) VCF-style: chr2-115919528-C-T.
Other names: c.-6C>T (NM_001178034.1); c.-155C>T (NM_001321906.2); c.-775C>T (NM_001321914.2); c.-810C>T (NM_001399850.1); c.-423C>T (NM_001399851.1); c.-90-147288C>T (NM_001321910.3, NM_001178036.3, NM_001321912.3 and 1 more transcripts); c.-91+111732C>T (NM_001399849.1); c.61-147288C>T (NM_001321907.3); and 4 more.
Identifiers: ClinVar variation 3050953 (VCV003050953.2), dbSNP rs775380081, ClinGen allele CA1842696.

ClinVar aggregate classification (germline): Likely benign (0 of 4 stars; one submission).

Conditions:
DPP10-related disorder. Also called: DPP10-related condition.

Allele frequency attached by ClinVar (database versions not stated): 1000 Genomes Project 30x 0.00016; ExAC 0.00016; gnomAD 0.00029; TOPMed 0.00029; gnomAD exomes 0.00037.
gnomAD v4.1: 518 of 1,438,222 alleles (0.036%); highest among the groups gnomAD compares: Non-Finnish European, 0.043%; no homozygotes.

Submission:

PreventionGenetics, part of Exact Sciences
Classification: Likely benign for DPP10-related condition. Last evaluated: 2023-04-20. Review status: no assertion criteria provided. Collection method: clinical testing. Allele origin: germline.
Comment: This variant is classified as likely benign based on ACMG/AMP sequence variant interpretation guidelines (Richards et al. 2015 PMID: 25741868, with internal and published modifications).